The following is an entry in ClinVar:

ClinVar aggregate classification (germline): Uncertain significance (1 of 4 stars; one submission).

Conditions:
Combined immunodeficiency due to LRBA deficiency. Also called: Common variable immunodeficiency 8, with autoimmunity. Identifiers: Orphanet 445018, MedGen C3553512, MONDO:0013863, OMIM 614700.

Allele frequency attached by ClinVar (database versions not stated): gnomAD exomes 0.00001; ExAC 0.00002; gnomAD 0.00002; 1000 Genomes Project 30x 0.00047; 1000 Genomes Project 0.00060.
gnomAD v4.1: 15 of 1,598,726 alleles (0.00094%); highest among the groups gnomAD compares: South Asian, 0.016%; no homozygotes.

Submission:

Labcorp Genetics (formerly Invitae), Labcorp
Classification: Uncertain significance for Combined immunodeficiency due to LRBA deficiency. Last evaluated: 2024-01-31. Review status: criteria provided, single submitter. Criteria: Invitae Variant Classification Sherloc (09022015). Collection method: clinical testing. Allele origin: germline.
Comment: This sequence change replaces threonine, which is neutral and polar, with arginine, which is basic and polar, at codon 2187 of the LRBA protein (p.Thr2187Arg). This variant is present in population databases (rs528350950, gnomAD 0.01%). This variant has not been reported in the literature in individuals affected with LRBA-related conditions. ClinVar contains an entry for this variant (Variation ID: 1441128). Advanced modeling of protein sequence and biophysical properties (such as structural, functional, and spatial information, amino acid conservation, physicochemical variation, residue mobility, and thermodynamic stability) performed at Invitae indicates that this missense variant is not expected to disrupt LRBA protein function with a negative predictive value of 80%. In summary, the available evidence is currently insufficient to determine the role of this variant in disease. Therefore, it has been classified as a Variant of Uncertain Significance.

NM_001364905.1(LRBA):c.6527C>G (p.Thr2176Arg)

Gene: LRBA (LPS responsive beige-like anchor protein; minus strand). Cytogenetic location: 4q31.3.
Variant type: single nucleotide variant.
Coding change: c.6527C>G on transcript NM_001364905.1 (MANE Select); coding-DNA position 6527, C replaced by G.
Protein change: p.Thr2176Arg; replaces threonine 2176 with arginine.
Molecular consequence: missense variant.
Genome position (GRCh38, 1-based): chr4:150,487,756, G>C on the plus strand (C>G on the coding strand, the complement: LRBA is on the minus strand). VCF-style: chr4-150487756-G-C. GRCh37 (hg19) VCF-style: chr4-151408908-G-C.
Other names: c.6527C>G, p.Thr2176Arg (NM_001199282.3, NM_001367550.1); c.6560C>G, p.Thr2187Arg (NM_006726.5); short protein forms T2176R, T2187R.
Identifiers: ClinVar variation 1441128 (VCV001441128.8), dbSNP rs528350950, ClinGen allele CA3101900.